The following is an entry in ClinVar:

ClinVar aggregate classification (germline): Uncertain significance (1 of 4 stars; one submission).

Conditions:
Occult macular dystrophy (OCMD). Also called: OMD; OCCULT MACULAR DYSTROPHY, SUSCEPTIBILITY TO. Identifiers: Orphanet 247834, MedGen C3150833, MONDO:0013316, OMIM 613587, HP:0030636.

Allele frequency attached by ClinVar (database versions not stated): TOPMed below 0.00001; gnomAD exomes 0.00001; gnomAD 0.00002.
gnomAD v4.1: 10 of 1,605,730 alleles (0.00062%); highest among the groups gnomAD compares: Middle Eastern, 0.019%; no homozygotes.

Submission:

DBGen Ocular Genomics
Classification: Uncertain significance for Occult macular dystrophy. Last evaluated: 2022-01-01. Review status: criteria provided, single submitter. Criteria: ACMG Guidelines, 2015. Collection method: clinical testing. Allele origin: unknown. Inheritance: Autosomal dominant inheritance. Affected: yes.
Comment: Class 3 ACMG Guidelines, 2015

NM_004055.5(CAPN5):c.728G>A (p.Arg243His)

Gene: CAPN5 (calpain 5; plus strand). Cytogenetic location: 11q13.5.
Variant type: single nucleotide variant.
Coding change: c.728G>A on transcript NM_004055.5 (MANE Select); coding-DNA position 728, G replaced by A.
Protein change: p.Arg243His; replaces arginine 243 with histidine.
Molecular consequence: missense variant.
Genome position (GRCh38, 1-based): chr11:77,115,423, G>A. VCF-style: chr11-77115423-G-A. GRCh37 (hg19) VCF-style: chr11-76826469-G-A.
Other names: c.848G>A, p.Arg283His (NM_001425321.1); c.728G>A, p.Arg243His (NM_001425322.1); c.596G>A, p.Arg199His (NM_001425323.1); short protein forms R199H, R243H, R283H.
Identifiers: ClinVar variation 2628048 (VCV002628048.2), dbSNP rs397514601, ClinGen allele CA381938706.